The following is an entry in ClinVar:

ClinVar aggregate classification (germline): Benign. Review status: criteria provided, single submitter (1 of 4 stars). 2 submissions from 2 submitters: Benign (1). 1 of the submissions does not count toward it. Last evaluated 2026-02-02.

Conditions:
ERBIN-related disorder. Also called: ERBIN-related condition.

Submissions (2):

Labcorp Genetics (formerly Invitae), Labcorp
Classification: Benign. Last evaluated: 2026-02-02. Review status: criteria provided, single submitter. Criteria: Invitae Variant Classification Sherloc (09022015). Collection method: clinical testing. Allele origin: germline.

PreventionGenetics, part of Exact Sciences
Classification: Likely benign for ERBIN-related condition. Last evaluated: 2019-10-29. Review status: no assertion criteria provided. Collection method: clinical testing. Allele origin: germline. Not counted in ClinVar's aggregate classification.
Comment: This variant is classified as likely benign based on ACMG/AMP sequence variant interpretation guidelines (Richards et al. 2015 PMID: 25741868, with internal and published modifications).

NM_001253697.2(ERBIN):c.673-9dup

Gene: ERBIN (erbb2 interacting protein; plus strand). Cytogenetic location: 5q12.3.
Variant type: Duplication.
Coding change: c.673-9dup on transcript NM_001253697.2 (MANE Select); 9 bases into the intron before coding-DNA position 673, one base duplicated (T; older notation c.673-9dupT).
Molecular consequence: intron variant.
Genome position (GRCh38, 1-based): chr5:66,024,297, T duplicated; the last of 7 consecutive T bases (chr5:66,024,291-66,024,297); duplicating any one gives the same sequence. VCF-style (leftmost placement, unchanged base first): chr5-66024290-C-CT. GRCh37 (hg19) VCF-style: chr5-65320118-C-CT.
Other names: c.673-9dup (NM_001253699.2, NM_018695.4, NM_001253698.2 and 2 more transcripts); c.673-9dupT (NM_001006600.2).
Identifiers: ClinVar variation 1170783 (VCV001170783.11), dbSNP rs533894721, ClinGen allele CA3286020.